The following is an entry in ClinVar:

NM_006059.4(LAMC3):c.4160C>T (p.Ala1387Val)

Gene: LAMC3 (laminin subunit gamma 3; plus strand). Cytogenetic location: 9q34.12.
Variant type: single nucleotide variant.
Coding change: c.4160C>T on transcript NM_006059.4 (MANE Select); coding-DNA position 4160, C replaced by T.
Protein change: p.Ala1387Val; replaces alanine 1387 with valine.
Molecular consequence: missense variant.
Genome position (GRCh38, 1-based): chr9:131,085,653, C>T. VCF-style: chr9-131085653-C-T. GRCh37 (hg19) VCF-style: chr9-133961040-C-T.
Other names: short protein forms A1387V.
Identifiers: ClinVar variation 211367 (VCV000211367.28), dbSNP rs141497885, ClinGen allele CA206969.

ClinVar aggregate classification (germline): Conflicting classifications of pathogenicity. Review status: criteria provided, conflicting classifications (1 of 4 stars). 8 submissions from 8 submitters: Uncertain significance (3); Likely benign (4). 1 of the submissions does not count toward it. Last evaluated 2026-03-09.

Conditions:
LAMC3-related disorder. Also called: LAMC3-related condition.
Occipital pachygyria and polymicrogyria. Identifiers: Orphanet 280640, MedGen C3279875, MONDO:0013583, OMIM 614115.

Allele frequency attached by ClinVar (database versions not stated): ExAC 0.00057; gnomAD exomes 0.00058; 1000 Genomes Project 30x 0.00141; 1000 Genomes Project 0.00160; TOPMed 0.00211; ESP Exome Variant Server 0.00238; gnomAD 0.00258.
gnomAD v4.1: 1,160 of 1,614,180 alleles (0.072%); highest among the groups gnomAD compares: African/African-American, 0.66%; 1 homozygote.

Submissions (8):

Women's Health and Genetics/Laboratory Corporation of America, LabCorp
Classification: Likely benign. Last evaluated: 2026-03-09. Review status: criteria provided, single submitter. Criteria: LabCorp Variant Classification Summary - May 2015. Collection method: clinical testing. Allele origin: germline.
Comment: Variant summary: LAMC3 c.4160C>T (p.Ala1387Val) results in a non-conservative amino acid change in the encoded protein sequence. Algorithms developed to predict the effect of missense changes on protein structure and function are either unavailable or do not agree on the potential impact of this missense change. The variant allele was found at a frequency of 0.00058 in 251268 control chromosomes, predominantly at a frequency of 0.0058 within the African or African-American subpopulation in the gnomAD database. The observed variant frequency within African or African-American control individuals in the gnomAD database exceeds the estimated maximal expected allele frequency for disease-causing variants in LAMC3. To our knowledge, no occurrence of c.4160C>T in individuals affected with LAMC3-related conditions and no experimental evidence demonstrating its impact on protein function have been reported. ClinVar contains an entry for this variant (Variation ID: 211367). Based on the evidence outlined above, the variant was classified as likely benign.

Labcorp Genetics (formerly Invitae), Labcorp
Classification: Likely benign. Last evaluated: 2026-02-02. Review status: criteria provided, single submitter. Criteria: Invitae Variant Classification Sherloc (09022015). Collection method: clinical testing. Allele origin: germline.

Blueprint Genetics
Classification: Likely benign. Last evaluated: 2024-11-27. Review status: criteria provided, single submitter. Criteria: ACMG Guidelines, 2015. Collection method: clinical testing. Allele origin: germline.

GeneDx
Classification: Likely benign. Last evaluated: 2021-01-04. Review status: criteria provided, single submitter. Criteria: GeneDx Variant Classification Process June 2021. Collection method: clinical testing. Allele origin: germline. Affected: yes.

Baylor Genetics
Classification: Uncertain significance for Occipital pachygyria and polymicrogyria. Last evaluated: 2018-02-12. Review status: criteria provided, single submitter. Criteria: ACMG Guidelines, 2015. Collection method: clinical testing. Allele origin: paternal. Affected: yes.
Comment: This variant was determined to be of uncertain significance according to ACMG Guidelines, 2015 [PMID:25741868].

Eurofins Ntd Llc (ga)
Classification: Uncertain significance. Last evaluated: 2016-04-05. Review status: criteria provided, single submitter. Criteria: EGL Classification Definitions 2015. Collection method: clinical testing. Allele origin: germline. Observed: 1 variant allele, 1 heterozygote.

Genetic Services Laboratory, University of Chicago
Classification: Uncertain significance. Last evaluated: 2015-02-18. Review status: criteria provided, single submitter. Criteria: ACMG Guidelines, 2015. Collection method: clinical testing. Allele origin: germline.

PreventionGenetics, part of Exact Sciences
Classification: Likely benign for LAMC3-related condition. Last evaluated: 2020-01-09. Review status: no assertion criteria provided. Collection method: clinical testing. Allele origin: germline. Not counted in ClinVar's aggregate classification.
Comment: This variant is classified as likely benign based on ACMG/AMP sequence variant interpretation guidelines (Richards et al. 2015 PMID: 25741868, with internal and published modifications).